The following is an entry in ClinVar:

ClinVar aggregate classification (germline): Pathogenic (0 of 4 stars; one submission).

Conditions:
Niemann-Pick disease, type C1. Also called: NIEMANN-PICK DISEASE, VARIANT TYPE C1; NEUROVISCERAL STORAGE DISEASE WITH VERTICAL SUPRANUCLEAR OPHTHALMOPLEGIA; NIEMANN-PICK DISEASE WITH CHOLESTEROL ESTERIFICATION BLOCK; NIEMANN-PICK DISEASE WITHOUT SPHINGOMYELINASE DEFICIENCY; NIEMANN-PICK DISEASE, CHRONIC NEURONOPATHIC FORM. Identifiers: Orphanet 646, MedGen C3179455, MONDO:0009757, OMIM 257220.

Submission:

Shanghain Institute for Pediatric Research
Classification: Pathogenic for Niemann-Pick disease type C1. Review status: no assertion criteria provided. Collection method: not provided. Allele origin: germline.
ClinVar note: Converted during submission from pathogenic to Pathogenic.

NM_000271.5(NPC1):c.2302dup (p.Val768fs)

Gene: NPC1 (NPC intracellular cholesterol transporter 1; minus strand). Cytogenetic location: 18q11.2.
Variant type: Duplication.
Coding change: c.2302dup on transcript NM_000271.5 (MANE Select); coding-DNA position 2302, one base duplicated (G; older notation c.2302dupG).
Protein change: p.Val768fs; shifts the reading frame from valine 768.
Molecular consequence: frameshift variant.
Genome position (GRCh38, 1-based): chr18:23,541,377, C duplicated on the plus strand (G on the coding strand, the reverse complement: NPC1 is on the minus strand). VCF-style (leftmost placement, unchanged base first): chr18-23541376-A-AC. GRCh37 (hg19) VCF-style: chr18-21121340-A-AC.
Other names: short protein forms V768fs.
Identifiers: ClinVar variation 132897 (VCV000132897.2), dbSNP rs483352881, ClinGen allele CA269830.